The following is an entry in ClinVar:

NM_024989.4(PGAP1):c.1953G>C (p.Gly651=)

Gene: PGAP1 (post-GPI attachment to proteins inositol deacylase 1; minus strand). Cytogenetic location: 2q33.1.
Variant type: single nucleotide variant.
Coding change: c.1953G>C on transcript NM_024989.4 (MANE Select); coding-DNA position 1953, G replaced by C.
Protein change: p.Gly651=; no amino-acid change (glycine 651 retained).
Molecular consequence: synonymous variant.
Genome position (GRCh38, 1-based): chr2:196,847,200, C>G on the plus strand (G>C on the coding strand, the complement: PGAP1 is on the minus strand). VCF-style: chr2-196847200-C-G. GRCh37 (hg19) VCF-style: chr2-197711924-C-G.
Other names: c.1431G>C, p.Gly477= (NM_001321099.2); c.786G>C, p.Gly262= (NM_001321100.2).
Identifiers: ClinVar variation 1961797 (VCV001961797.5), dbSNP rs148349860, ClinGen allele CA430546852.

ClinVar aggregate classification (germline): Uncertain significance (1 of 4 stars; one submission).

Conditions:
Intellectual disability, autosomal recessive 42 (NEDDSBA). Also called: GLYCOSYLPHOSPHATIDYLINOSITOL BIOSYNTHESIS DEFECT 9; Neurodevelopmental disorder with dysmorphic features, spasticity, and brain abnormalities. Identifiers: Orphanet 88616, MedGen C4014343, MONDO:0014348, OMIM 615802.

gnomAD v4.1: 1 of 1,593,806 alleles (0.000063%); highest among the groups gnomAD compares: Non-Finnish European, 0.000085%; no homozygotes.

Submission:

Labcorp Genetics (formerly Invitae), Labcorp
Classification: Uncertain significance for Intellectual disability, autosomal recessive 42. Last evaluated: 2022-07-30. Review status: criteria provided, single submitter. Criteria: Invitae Variant Classification Sherloc (09022015). Collection method: clinical testing. Allele origin: germline.
Comment: This sequence change affects codon 651 of the PGAP1 mRNA. It is a 'silent' change, meaning that it does not change the encoded amino acid sequence of the PGAP1 protein. It affects a nucleotide within the consensus splice site. This variant is not present in population databases (gnomAD no frequency). This variant has not been reported in the literature in individuals affected with PGAP1-related conditions. Algorithms developed to predict the effect of sequence changes on RNA splicing suggest that this variant is not likely to affect RNA splicing. In summary, the available evidence is currently insufficient to determine the role of this variant in disease. Therefore, it has been classified as a Variant of Uncertain Significance.